The following is an entry in ClinVar:

NM_004247.4(EFTUD2):c.619+6A>T

Gene: EFTUD2 (elongation factor Tu GTP binding domain containing 2; minus strand). Cytogenetic location: 17q21.31.
Variant type: single nucleotide variant.
Coding change: c.619+6A>T on transcript NM_004247.4 (MANE Select); 6 bases into the intron after coding-DNA position 619, A replaced by T.
Molecular consequence: intron variant.
Genome position (GRCh38, 1-based): chr17:44,880,548, T>A on the plus strand (A>T on the coding strand, the complement: EFTUD2 is on the minus strand). VCF-style: chr17-44880548-T-A. GRCh37 (hg19) VCF-style: chr17-42957916-T-A.
Other names: c.619+6A>T (NM_004247.3, NM_001258353.2); c.514+6A>T (NM_001142605.2); c.589+6A>T (NM_001258354.2).
Identifiers: ClinVar variation 1899734 (VCV001899734.8), dbSNP rs1361921670, ClinGen allele CA2576293938.

ClinVar aggregate classification (germline): Conflicting classifications of pathogenicity. Review status: criteria provided, conflicting classifications (1 of 4 stars). 3 submissions from 3 submitters: Uncertain significance (1); Likely benign (1). 1 of the submissions does not count toward it. Last evaluated 2025-10-26.

Conditions:
EFTUD2-related disorder. Also called: EFTUD2-related condition.

Allele frequency attached by ClinVar (database versions not stated): gnomAD exomes below 0.00001.
gnomAD v4.1: 5 of 1,611,358 alleles (0.00031%); highest among the groups gnomAD compares: East Asian, 0.0022%; no homozygotes.

Submissions (3):

Labcorp Genetics (formerly Invitae), Labcorp
Classification: Uncertain significance. Last evaluated: 2025-10-26. Review status: criteria provided, single submitter. Criteria: Invitae Variant Classification Sherloc (09022015). Collection method: clinical testing. Allele origin: germline.
Comment: This sequence change falls in intron 8 of the EFTUD2 gene. It does not directly change the encoded amino acid sequence of the EFTUD2 protein. It affects a nucleotide within the consensus splice site. This variant is not present in population databases (gnomAD no frequency). This variant has not been reported in the literature in individuals affected with EFTUD2-related conditions. ClinVar contains an entry for this variant (Variation ID: 1899734). Variants that disrupt the consensus splice site are a relatively common cause of aberrant splicing (PMID: 17576681, 9536098). Algorithms developed to predict the effect of sequence changes on RNA splicing suggest that this variant is not likely to affect RNA splicing. In summary, the available evidence is currently insufficient to determine the role of this variant in disease. Therefore, it has been classified as a Variant of Uncertain Significance.

Blueprint Genetics
Classification: Likely benign. Last evaluated: 2023-10-06. Review status: criteria provided, single submitter. Criteria: ACMG Guidelines, 2015. Collection method: clinical testing. Allele origin: germline.

PreventionGenetics, part of Exact Sciences
Classification: Likely benign for EFTUD2-related condition. Last evaluated: 2019-03-20. Review status: no assertion criteria provided. Collection method: clinical testing. Allele origin: germline. Not counted in ClinVar's aggregate classification.
Comment: This variant is classified as likely benign based on ACMG/AMP sequence variant interpretation guidelines (Richards et al. 2015 PMID: 25741868, with internal and published modifications).

Literature cited by the submitters: PubMed 17576681 (cited by Labcorp Genetics (formerly Invitae), Labcorp); PubMed 9536098 (cited by Labcorp Genetics (formerly Invitae), Labcorp).